The following is an entry in ClinVar:

NM_003680.4(YARS1):c.821-7C>T

Genes: YARS1 (tyrosyl-tRNA synthetase 1; minus strand), LOC126805688 (BRD4-independent group 4 enhancer GRCh37_chr1:33251929-33253128; plus strand). Cytogenetic location: 1p35.1.
Variant type: single nucleotide variant.
Coding change: c.821-7C>T on transcript NM_003680.4 (MANE Select); 7 bases into the intron before coding-DNA position 821, C replaced by T.
Molecular consequence: intron variant.
Genome position (GRCh38, 1-based): chr1:32,786,454, G>A on the plus strand (C>T on the coding strand, the complement: YARS1 is on the minus strand). VCF-style: chr1-32786454-G-A. GRCh37 (hg19) VCF-style: chr1-33252055-G-A.
Other names: c.821-7C>T (NM_003680.3).
Identifiers: ClinVar variation 1145987 (VCV001145987.11), dbSNP rs372082251, ClinGen allele CA745080.

ClinVar aggregate classification (germline): Likely benign. Review status: criteria provided, single submitter (1 of 4 stars). 2 submissions from 2 submitters: Likely benign (1). 1 of the submissions does not count toward it. Last evaluated 2025-09-23.

Conditions:
YARS1-related disorder. Also called: YARS1-related condition.
Charcot-Marie-Tooth disease dominant intermediate C (CMTDIC). Also called: CHARCOT-MARIE-TOOTH NEUROPATHY, DOMINANT INTERMEDIATE C. Identifiers: Orphanet 100045, MedGen C1842237, MONDO:0012012, OMIM 608323.

Allele frequency attached by ClinVar (database versions not stated): gnomAD 0.00010 and 0.00011; gnomAD exomes 0.00011 and 0.00019; TOPMed 0.00011; ExAC 0.00015; ESP Exome Variant Server 0.00038.
gnomAD v4.1: 285 of 1,612,640 alleles (0.018%); highest among the groups gnomAD compares: Non-Finnish European, 0.023%; no homozygotes.

Submissions (2):

Labcorp Genetics (formerly Invitae), Labcorp
Classification: Likely benign for Charcot-Marie-Tooth disease dominant intermediate C. Last evaluated: 2025-09-23. Review status: criteria provided, single submitter. Criteria: Invitae Variant Classification Sherloc (09022015). Collection method: clinical testing. Allele origin: germline.

PreventionGenetics, part of Exact Sciences
Classification: Likely benign for YARS1-related condition. Last evaluated: 2019-06-25. Review status: no assertion criteria provided. Collection method: clinical testing. Allele origin: germline. Not counted in ClinVar's aggregate classification.
Comment: This variant is classified as likely benign based on ACMG/AMP sequence variant interpretation guidelines (Richards et al. 2015 PMID: 25741868, with internal and published modifications).